The following is an entry in ClinVar:

NM_004329.3(BMPR1A):c.618A>T (p.Leu206=)

Gene: BMPR1A (bone morphogenetic protein receptor type 1A; plus strand). Cytogenetic location: 10q23.2.
Variant type: single nucleotide variant.
Coding change: c.618A>T on transcript NM_004329.3 (MANE Select); coding-DNA position 618, A replaced by T.
Protein change: p.Leu206=; no amino-acid change (leucine 206 retained).
Molecular consequence: synonymous variant. On other transcripts: non-coding transcript variant (3), intron variant (1).
Genome position (GRCh38, 1-based): chr10:86,912,327, A>T. VCF-style: chr10-86912327-A-T. GRCh37 (hg19) VCF-style: chr10-88672084-A-T.
Other names: c.618A>T, p.Leu206= (NM_001406579.1, NM_001406580.1, NM_001406581.1 and 20 more transcripts); c.534A>T, p.Leu178= (NM_001406584.1, NM_001406585.1, NM_001406586.1 and 2 more transcripts); c.334-4807A>T (NM_001406589.1); c.693A>T, p.Leu231= (NM_001406559.1); c.666A>T, p.Leu222= (NM_001406560.1).
Identifiers: ClinVar variation 3378523 (VCV003378523.1).

ClinVar aggregate classification (germline): Benign (1 of 4 stars; one submission).

Conditions:
Juvenile polyposis syndrome (JPS). Identifiers: Orphanet 2929, MedGen C0345893, MONDO:0017380, OMIM 174900.

Submission:

Myriad Genetics, Inc.
Classification: Benign for Juvenile polyposis syndrome. Last evaluated: 2024-08-01. Review status: criteria provided, single submitter. Criteria: Myriad Autosomal Dominant, Autosomal Recessive and X-Linked Classification Criteria (2023). Collection method: clinical testing. Allele origin: unknown.
Comment: This variant is considered benign. This variant is a silent/synonymous amino acid change and it is not expected to impact splicing.